The following is an entry in ClinVar:

NM_001371727.1(GABRB2):c.968A>T (p.Tyr323Phe)

Gene: GABRB2 (gamma-aminobutyric acid type A receptor subunit beta2; minus strand). Cytogenetic location: 5q34.
Variant type: single nucleotide variant.
Coding change: c.968A>T on transcript NM_001371727.1 (MANE Select); coding-DNA position 968, A replaced by T.
Protein change: p.Tyr323Phe; replaces tyrosine 323 with phenylalanine.
Molecular consequence: missense variant.
Genome position (GRCh38, 1-based): chr5:161,330,992, T>A on the plus strand (A>T on the coding strand, the complement: GABRB2 is on the minus strand). VCF-style: chr5-161330992-T-A. GRCh37 (hg19) VCF-style: chr5-160757999-T-A.
Other names: c.968A>T, p.Tyr323Phe (NM_000813.3, NM_021911.3); short protein forms Y323F.
Identifiers: ClinVar variation 1307046 (VCV001307046.2), dbSNP rs2113397668, ClinGen allele CA362175222.

ClinVar aggregate classification (germline): Uncertain significance (1 of 4 stars; one submission).

Submission:

GeneDx
Classification: Uncertain significance. Last evaluated: 2019-07-15. Review status: criteria provided, single submitter. Criteria: GeneDx Variant Classification Process June 2021. Collection method: clinical testing. Allele origin: germline. Affected: yes.
Comment: Not observed in large population cohorts (Lek et al., 2016); In silico analysis, which includes protein predictors and evolutionary conservation, supports a deleterious effect; Has not been previously published as pathogenic or benign to our knowledge